The following is an entry in ClinVar:

ClinVar aggregate classification (germline): Benign/Likely benign. Review status: criteria provided, multiple submitters, no conflicts (2 of 4 stars). 6 submissions from 6 submitters: Benign (2); Likely benign (3). 1 of the submissions does not count toward it. Last evaluated 2026-02-02.

Conditions:
Primary ciliary dyskinesia. Also called: Ciliary dyskinesia. Identifiers: Orphanet 244, MedGen C0008780, MONDO:0016575, HP:0012265.
Primary ciliary dyskinesia 9. Also called: CILIARY DYSKINESIA, PRIMARY, 9, WITH OR WITHOUT SITUS INVERSUS. Identifiers: Orphanet 244, MedGen C2676235, MONDO:0012906, OMIM 612444.

Allele frequency attached by ClinVar (database versions not stated): ESP Exome Variant Server 0.00023; TOPMed 0.00102; gnomAD exomes 0.00150 and 0.00353; gnomAD 0.00161 and 0.00179; ExAC 0.00355; 1000 Genomes Project 30x 0.00500; 1000 Genomes Project 0.00539.
gnomAD v4.1: 2,378 of 1,533,352 alleles (0.16%); highest among the groups gnomAD compares: East Asian, 2.7%; 23 homozygotes.

Submissions (6):

Labcorp Genetics (formerly Invitae), Labcorp
Classification: Benign for Primary ciliary dyskinesia. Last evaluated: 2026-02-02. Review status: criteria provided, single submitter. Criteria: Invitae Variant Classification Sherloc (09022015). Collection method: clinical testing. Allele origin: germline.

ARUP Laboratories, Molecular Genetics and Genomics, ARUP Laboratories
Classification: Benign for Primary ciliary dyskinesia 9. Last evaluated: 2023-11-22. Review status: criteria provided, single submitter. Criteria: ARUP Molecular Germline Variant Investigation Process 2024. Collection method: clinical testing. Allele origin: germline.

Ambry Genetics
Classification: Likely benign for Primary ciliary dyskinesia. Last evaluated: 2022-03-30. Review status: criteria provided, single submitter. Criteria: Ambry Variant Classification Scheme 2023. Collection method: clinical testing. Allele origin: germline.

Illumina Laboratory Services, Illumina
Classification: Likely benign for Primary ciliary dyskinesia 9. Last evaluated: 2018-01-12. Review status: criteria provided, single submitter. Criteria: ICSL Variant Classification Criteria 13 December 2019. Collection method: clinical testing. Allele origin: germline.
Comment: This variant was observed in the ICSL laboratory as part of a predisposition screen in an ostensibly healthy population. It had not been previously curated by ICSL or reported in the Human Gene Mutation Database (HGMD: prior to June 1st, 2018), and was therefore a candidate for classification through an automated scoring system. Utilizing variant allele frequency, disease prevalence and penetrance estimates, and inheritance mode, an automated score was calculated to assess if this variant is too frequent to cause the disease. Based on the score and internal cut-off values, a variant classified as likely benign is not then subjected to further curation. The score for this variant resulted in a classification of likely benign for this disease.

Breakthrough Genomics
Classification: Likely benign. Review status: criteria provided, single submitter. Criteria: ACMG Guidelines, 2015. Collection method: not provided. Allele origin: germline. Inheritance: Autosomal recessive inheritance. Affected: yes.

Natera, Inc.
Classification: Benign for Primary ciliary dyskinesia. Last evaluated: 2020-09-16. Review status: no assertion criteria provided. Collection method: clinical testing. Allele origin: germline. Not counted in ClinVar's aggregate classification.

NM_023036.6(DNAI2):c.1660G>A (p.Asp554Asn)

Gene: DNAI2 (dynein axonemal intermediate chain 2; plus strand). Cytogenetic location: 17q25.1.
Variant type: single nucleotide variant.
Coding change: c.1660G>A on transcript NM_023036.6 (MANE Select); coding-DNA position 1660, G replaced by A.
Protein change: p.Asp554Asn; replaces aspartic acid 554 with asparagine.
Molecular consequence: missense variant.
Genome position (GRCh38, 1-based): chr17:74,312,168, G>A. VCF-style: chr17-74312168-G-A. GRCh37 (hg19) VCF-style: chr17-72308307-G-A.
Other names: c.1624G>A, p.Asp542Asn (NM_001172810.3); c.1660G>A, p.Asp554Asn (NM_001353167.2); short protein forms D554N, D542N.
Identifiers: ClinVar variation 325023 (VCV000325023.21), dbSNP rs117932646, ClinGen allele CA8745858.